The following is an entry in ClinVar:

NM_000053.4(ATP7B):c.2059A>G (p.Asn687Asp)

Gene: ATP7B (ATPase copper transporting beta; minus strand). Cytogenetic location: 13q14.3.
Variant type: single nucleotide variant.
Coding change: c.2059A>G on transcript NM_000053.4 (MANE Select); coding-DNA position 2059, A replaced by G.
Protein change: p.Asn687Asp; replaces asparagine 687 with aspartic acid.
Molecular consequence: missense variant. On other transcripts: intron variant (13).
Genome position (GRCh38, 1-based): chr13:51,960,210, T>C on the plus strand (A>G on the coding strand, the complement: ATP7B is on the minus strand). VCF-style: chr13-51960210-T-C. GRCh37 (hg19) VCF-style: chr13-52534346-T-C.
Other names: c.1726A>G, p.Asn576Asp (NM_001243182.2); c.2059A>G, p.Asn687Asp (NM_001330578.2, NM_001406511.1, NM_001406512.1 and 16 more transcripts); c.2026A>G, p.Asn676Asp (NM_001406514.1, NM_001406524.1); c.1963A>G, p.Asn655Asp (NM_001406517.1, NM_001406518.1, NM_001406530.1 and 1 more transcripts); c.1630A>G, p.Asn544Asp (NM_001406539.1); c.1870-2603A>G (NM_001406541.1, NM_001005918.3, NM_001406546.1 and 1 more transcripts); c.1870-1666A>G (NM_001406531.1, NM_001406532.1, NM_001406540.1 and 1 more transcripts); c.1774-1666A>G (NM_001406543.1); and 3 more; short protein forms N544D, N576D, N655D, N676D, N687D.
Identifiers: ClinVar variation 3071204 (VCV003071204.1), dbSNP rs2547724926, ClinGen allele CA388024934.

ClinVar aggregate classification (germline): Uncertain significance (1 of 4 stars; one submission).

Conditions:
Wilson disease (WND). Also called: Wilson's disease. Identifiers: Orphanet 905, MedGen C0019202, MONDO:0010200, OMIM 277900. Disease mechanism: loss of function.

Allele frequency attached by ClinVar (database versions not stated): gnomAD exomes below 0.00001.
gnomAD v4.1: 3 of 1,613,902 alleles (0.00019%); highest among the groups gnomAD compares: Non-Finnish European, 0.00025%; no homozygotes.

Submission:

All of Us Research Program, National Institutes of Health
Classification: Uncertain significance for Wilson disease. Last evaluated: 2023-05-16. Review status: criteria provided, single submitter. Criteria: ACMG Guidelines, 2015. Collection method: clinical testing. Allele origin: germline. Inheritance: Autosomal recessive inheritance. Observed: 1 variant allele, 1 heterozygote.
Comment: This missense variant replaces asparagine with aspartic acid at codon 687 of the ATP7B protein. Computational prediction suggests that this variant may not impact protein structure and function (internally defined REVEL score threshold <= 0.5, PMID: 27666373). To our knowledge, functional studies have not been reported for this variant. This variant has not been reported in individuals affected with ATP7B-related disorders in the literature. This variant has not been identified in the general population by the Genome Aggregation Database (gnomAD). The available evidence is insufficient to determine the role of this variant in disease conclusively. Therefore, this variant is classified as a Variant of Uncertain Significance.

This study involves interpretation of variants in research participants for the purpose of population health screening. Participant phenotype was not available at the time of variant classification. Additional details can be found in publication PMID: 35346344, PMCID: PMC8962531